The following is an entry in ClinVar:

ClinVar aggregate classification (germline): Pathogenic/Likely pathogenic. Review status: criteria provided, multiple submitters, no conflicts (2 of 4 stars). 3 submissions from 3 submitters: Pathogenic (2); Likely pathogenic (1). Last evaluated 2025-09-15.

Conditions:
Corticosterone methyl oxidase type II deficiency.

Allele frequency attached by ClinVar (database versions not stated): TOPMed 0.00001.

Submissions (3):

Natera, Inc.
Classification: Likely pathogenic for Corticosterone methyl oxidase type II deficiency. Last evaluated: 2025-09-15. Review status: criteria provided, single submitter. Criteria: Natera Variant Classification Schema (03/2026). Collection method: clinical testing. Allele origin: germline.
Comment: The c.1350C>A variant in CYP11B2 is a nonsense variant predicted to introduce a stop codon at amino acid 450. This variant is expected to result in nonsense mediated decay, truncation, or a dysfunctional protein product. This variant is rare in the general population with a frequency below the threshold expected for the associated phenotype(s). Given the available evidence, this variant is classified as Likely Pathogenic.

Labcorp Genetics (formerly Invitae), Labcorp
Classification: Pathogenic. Last evaluated: 2024-02-06. Review status: criteria provided, single submitter. Criteria: Invitae Variant Classification Sherloc (09022015). Collection method: clinical testing. Allele origin: germline.
Comment: This sequence change creates a premature translational stop signal (p.Cys450*) in the CYP11B2 gene. It is expected to result in an absent or disrupted protein product. Loss-of-function variants in CYP11B2 are known to be pathogenic (PMID: 20494601, 22801770, 26936515). This variant is not present in population databases (gnomAD no frequency). This variant has not been reported in the literature in individuals affected with CYP11B2-related conditions. ClinVar contains an entry for this variant (Variation ID: 235237). For these reasons, this variant has been classified as Pathogenic.

Center for Pediatric Genomic Medicine, Children's Mercy Hospital and Clinics
Classification: Pathogenic. Last evaluated: 2015-01-30. Review status: criteria provided, single submitter. Criteria: ACMG Guidelines, 2015. Collection method: clinical testing. Allele origin: germline.

Literature cited by the submitters: PubMed 20494601 (cited by Labcorp Genetics (formerly Invitae), Labcorp); PubMed 22801770 (cited by Labcorp Genetics (formerly Invitae), Labcorp); PubMed 26936515 (cited by Labcorp Genetics (formerly Invitae), Labcorp).

NM_000498.3(CYP11B2):c.1350C>A (p.Cys450Ter)

Genes: CYP11B2 (cytochrome P450 family 11 subfamily B member 2; minus strand), LOC106799834 (CYP11B2 recombination region; plus strand). Cytogenetic location: 8q24.3.
Variant type: single nucleotide variant.
Coding change: c.1350C>A on transcript NM_000498.3 (MANE Select); coding-DNA position 1350, C replaced by A.
Protein change: p.Cys450Ter; replaces cysteine 450 with a stop codon.
Molecular consequence: nonsense.
Genome position (GRCh38, 1-based): chr8:142,912,578, G>T on the plus strand (C>A on the coding strand, the complement: CYP11B2 is on the minus strand). VCF-style: chr8-142912578-G-T. GRCh37 (hg19) VCF-style: chr8-143993994-G-T.
Other names: short protein forms C450*.
Identifiers: ClinVar variation 235237 (VCV000235237.9), dbSNP rs878852988, ClinGen allele CA10581250.